The following is an entry in ClinVar:

ClinVar aggregate classification (germline): Uncertain significance. Review status: criteria provided, multiple submitters, no conflicts (2 of 4 stars). 2 submissions from 2 submitters: Uncertain significance (2). Last evaluated 2023-11-09.

Conditions:
Inborn genetic diseases. Identifiers: MedGen C0950123, MeSH D030342.
Primary ciliary dyskinesia. Also called: Ciliary dyskinesia. Identifiers: Orphanet 244, MedGen C0008780, MONDO:0016575, HP:0012265.

Allele frequency attached by ClinVar (database versions not stated): gnomAD 0.00002; ExAC 0.00003; TOPMed 0.00003; gnomAD exomes 0.00004 and 0.00009; ESP Exome Variant Server 0.00015.
gnomAD v4.1: 140 of 1,613,726 alleles (0.0087%); highest among the groups gnomAD compares: Non-Finnish European, 0.011%; no homozygotes.

Submissions (2):

Ambry Genetics
Classification: Uncertain significance for Inborn genetic diseases. Last evaluated: 2023-11-09. Review status: criteria provided, single submitter. Criteria: Ambry Variant Classification Scheme 2023. Collection method: clinical testing. Allele origin: germline.

Labcorp Genetics (formerly Invitae), Labcorp
Classification: Uncertain significance for Primary ciliary dyskinesia. Last evaluated: 2022-06-04. Review status: criteria provided, single submitter. Criteria: Invitae Variant Classification Sherloc (09022015). Collection method: clinical testing. Allele origin: germline.
Comment: This sequence change replaces alanine, which is neutral and non-polar, with valine, which is neutral and non-polar, at codon 265 of the ZMYND10 protein (p.Ala265Val). This variant is present in population databases (rs149071790, gnomAD 0.008%). This variant has not been reported in the literature in individuals affected with ZMYND10-related conditions. ClinVar contains an entry for this variant (Variation ID: 241072). Algorithms developed to predict the effect of missense changes on protein structure and function (SIFT, PolyPhen-2, Align-GVGD) all suggest that this variant is likely to be tolerated. In summary, the available evidence is currently insufficient to determine the role of this variant in disease. Therefore, it has been classified as a Variant of Uncertain Significance.

NM_015896.4(ZMYND10):c.794C>T (p.Ala265Val)

Gene: ZMYND10 (zinc finger MYND-type containing 10; minus strand). Cytogenetic location: 3p21.31.
Variant type: single nucleotide variant.
Coding change: c.794C>T on transcript NM_015896.4 (MANE Select); coding-DNA position 794, C replaced by T.
Protein change: p.Ala265Val; replaces alanine 265 with valine.
Molecular consequence: missense variant.
Genome position (GRCh38, 1-based): chr3:50,342,476, G>A on the plus strand (C>T on the coding strand, the complement: ZMYND10 is on the minus strand). VCF-style: chr3-50342476-G-A. GRCh37 (hg19) VCF-style: chr3-50379907-G-A.
Other names: c.779C>T, p.Ala260Val (NM_001308379.2); short protein forms A265V, A260V.
Identifiers: ClinVar variation 241072 (VCV000241072.3), dbSNP rs149071790, ClinGen allele CA2417082.